The following is an entry in ClinVar:

ClinVar aggregate classification (germline): Uncertain significance. Review status: criteria provided, multiple submitters, no conflicts (2 of 4 stars). 2 submissions from 2 submitters: Uncertain significance (2). Last evaluated 2025-07-30.

Conditions:
Noonan syndrome (NS). Also called: Noonan's syndrome. Identifiers: Orphanet 648, MedGen C0028326, MeSH D009634, MONDO:0018997. Disease mechanism: gain of function.

gnomAD v4.1: 2 of 1,614,148 alleles (0.00012%); highest among the groups gnomAD compares: African/African-American, 0.0027%; no homozygotes.

Submissions (2):

Ambry Genetics
Classification: Uncertain significance. Last evaluated: 2025-07-30. Review status: criteria provided, single submitter. Criteria: Ambry Variant Classification Scheme 2023. Collection method: clinical testing. Allele origin: germline.
Comment: The p.T124R variant (also known as c.371C>G), located in coding exon 4 of the RRAS gene, results from a C to G substitution at nucleotide position 371. The threonine at codon 124 is replaced by arginine, an amino acid with similar properties. This amino acid position is conserved. In addition, this alteration is predicted to be tolerated by in silico analysis. Based on the available evidence, the clinical significance of this variant remains unclear.

Labcorp Genetics (formerly Invitae), Labcorp
Classification: Uncertain significance for Noonan syndrome. Last evaluated: 2024-01-25. Review status: criteria provided, single submitter. Criteria: Invitae Variant Classification Sherloc (09022015). Collection method: clinical testing. Allele origin: germline.
Comment: This sequence change replaces threonine, which is neutral and polar, with arginine, which is basic and polar, at codon 124 of the RRAS protein (p.Thr124Arg). This variant is not present in population databases (gnomAD no frequency). This variant has not been reported in the literature in individuals affected with RRAS-related conditions. ClinVar contains an entry for this variant (Variation ID: 1054224). An algorithm developed to predict the effect of missense changes on protein structure and function (PolyPhen-2) suggests that this variant is likely to be disruptive. In summary, the available evidence is currently insufficient to determine the role of this variant in disease. Therefore, it has been classified as a Variant of Uncertain Significance.

NM_006270.5(RRAS):c.371C>G (p.Thr124Arg)

Gene: RRAS (RAS related; minus strand). Cytogenetic location: 19q13.33.
Variant type: single nucleotide variant.
Coding change: c.371C>G on transcript NM_006270.5 (MANE Select); coding-DNA position 371, C replaced by G.
Protein change: p.Thr124Arg; replaces threonine 124 with arginine.
Molecular consequence: missense variant.
Genome position (GRCh38, 1-based): chr19:49,636,701, G>C on the plus strand (C>G on the coding strand, the complement: RRAS is on the minus strand). VCF-style: chr19-49636701-G-C. GRCh37 (hg19) VCF-style: chr19-50139958-G-C.
Other names: c.371C>G (NM_006270.3); short protein forms T124R.
Identifiers: ClinVar variation 1054224 (VCV001054224.10), dbSNP rs369508242, ClinGen allele CA406846558.